The following is an entry in ClinVar:

NM_000484.4(APP):c.2149G>C (p.Val717Leu)

Gene: APP (amyloid beta precursor protein; minus strand). Cytogenetic location: 21q21.3.
Variant type: single nucleotide variant.
Coding change: c.2149G>C on transcript NM_000484.4 (MANE Select); coding-DNA position 2149, G replaced by C.
Protein change: p.Val717Leu; replaces valine 717 with leucine.
Molecular consequence: missense variant.
Genome position (GRCh38, 1-based): chr21:25,891,784, C>G on the plus strand (G>C on the coding strand, the complement: APP is on the minus strand). VCF-style: chr21-25891784-C-G. GRCh37 (hg19) VCF-style: chr21-27264096-C-G.
Other names: c.2077G>C, p.Val693Leu (NM_001136016.3); c.1756G>C, p.Val586Leu (NM_001136129.3); c.1981G>C, p.Val661Leu (NM_001136130.3, NM_001385253.1); c.1819G>C, p.Val607Leu (NM_001136131.3); c.2095G>C, p.Val699Leu (NM_001204301.2); c.2038G>C, p.Val680Leu (NM_001204302.2); c.1870G>C, p.Val624Leu (NM_001204303.2); c.2092G>C, p.Val698Leu (NM_201413.3); and 1 more; short protein forms V717L, V680L, V607L, V642L, V661L, V586L, V624L, V693L.
Identifiers: ClinVar variation 18105 (VCV000018105.3), dbSNP rs63750264, ClinGen allele CA127816.

ClinVar aggregate classification (germline): Pathogenic. Review status: criteria provided, single submitter (1 of 4 stars). 3 submissions from 3 submitters: Pathogenic (1). 2 of the submissions do not count toward it. Last evaluated 2020-07-27.

Conditions:
Alzheimer disease type 1 (AD1). Also called: ALZHEIMER DISEASE, FAMILIAL, 1, AUTOSOMAL RECESSIVE; ALZHEIMER DISEASE, FAMILIAL, 1. Identifiers: MedGen C1863052, MONDO:0007088, OMIM 104300.

Submissions (3):

Athena Diagnostics
Classification: Pathogenic. Last evaluated: 2020-07-27. Review status: criteria provided, single submitter. Criteria: Athena Diagnostics Criteria. Collection method: clinical testing. Allele origin: unknown.
Comment: Not found in the total gnomAD dataset, and the data is high quality. Predicted to have a damaging effect on the protein. Other pathogenic or likely pathogenic variants affect the same amino acid. Found in multiple individuals with expected phenotype for this gene. Assessment of experimental evidence suggests this variant results in abnormal protein function.

Zotz-Klimas Genetics Lab, MVZ Zotz Klimas
Classification: Pathogenic for Alzheimer disease type 1. Last evaluated: 2023-10-09. Review status: no assertion criteria provided. Collection method: clinical testing. Allele origin: germline. Affected: yes. Not counted in ClinVar's aggregate classification.

OMIM
Classification: Pathogenic for ALZHEIMER DISEASE, FAMILIAL, 1. Last evaluated: 2006-02-28. Review status: no assertion criteria provided. Collection method: literature only. Allele origin: germline. Not counted in ClinVar's aggregate classification.

Literature cited by the submitters: PubMed 30045758 (cited by Athena Diagnostics); PubMed 27777022 (cited by Athena Diagnostics); PubMed 26888304 (cited by Athena Diagnostics); PubMed 10867787 (cited by Athena Diagnostics and OMIM); PubMed 22702962 (cited by Athena Diagnostics); PubMed 20634584 (cited by Athena Diagnostics); PubMed 16505331 (cited by Athena Diagnostics and OMIM); PubMed 15776278 (cited by Athena Diagnostics); PubMed 24880964 (cited by Athena Diagnostics); PubMed 11487570 (cited by Athena Diagnostics).